The following is an entry in ClinVar:

ClinVar aggregate classification (germline): Uncertain significance (1 of 4 stars; one submission).

Conditions:
Hereditary cancer-predisposing syndrome. Also called: Hereditary Cancer Syndrome; Hereditary neoplastic syndrome; Neoplastic Syndromes, Hereditary; Tumor predisposition. Identifiers: Orphanet 140162, MedGen C0027672, MeSH D009386, MONDO:0015356.

Submission:

Ambry Genetics
Classification: Uncertain significance for Hereditary cancer-predisposing syndrome. Last evaluated: 2025-08-05. Review status: criteria provided, single submitter. Criteria: Ambry Variant Classification Scheme 2023. Collection method: clinical testing. Allele origin: germline.
Comment: The c.4379_4402del24 variant (also known as p.E1460_R1467del) is located in coding exon 29 of the ALK gene. This variant results from an in-frame AGATCTCTGTTCGAGTCCCTAGAG deletion at nucleotide positions 4379 to 4402. This results in the in-frame deletion of 8 amino acids at codons 1460 to 1467. This amino acid region is not well conserved in available vertebrate species. In addition, this variant is predicted to be deleterious by in silico analysis (Choi Y et al. PLoS ONE. 2012; 7(10):e46688). Based on the available evidence, the clinical significance of this variant remains unclear.

NM_004304.5(ALK):c.4379_4402del (p.Glu1460_Arg1467del)

Gene: ALK (ALK receptor tyrosine kinase; minus strand). Cytogenetic location: 2p23.2.
Variant type: Deletion.
Coding change: c.4379_4402del on transcript NM_004304.5 (MANE Select); coding-DNA positions 4379 to 4402, 24 bases deleted (AGATCTCTGTTCGAGTCCCTAGAG).
Protein change: p.Glu1460_Arg1467del.
Genome position (GRCh38, 1-based): chr2:29,193,685-29,193,708, CTCTAGGGACTCGAACAGAGATCT deleted on the plus strand (AGATCTCTGTTCGAGTCCCTAGAG on the coding strand, the reverse complement: ALK is on the minus strand); deleting any 24 consecutive bases within chr2:29,193,685-29,193,710 gives the same sequence; the c. name uses the placement nearest the transcript's 3' end. VCF-style (leftmost placement, unchanged base first): chr2-29193684-CCTCTAGGGACTCGAACAGAGATCT-C. GRCh37 (hg19) VCF-style: chr2-29416550-CCTCTAGGGACTCGAACAGAGATCT-C.
Other names: c.1175_1198del, p.Glu392_Arg399del (NM_001353765.2).
Identifiers: ClinVar variation 4272054 (VCV004272054.1).